The following is an entry in ClinVar:

NM_014989.7(RIMS1):c.4492A>G (p.Ser1498Gly)

Genes: RIMS1 (regulating synaptic membrane exocytosis 1; plus strand), LOC129389554 (MPRA-validated peak5890 silencer; plus strand). Cytogenetic location: 6q13.
Variant type: single nucleotide variant.
Coding change: c.4492A>G on transcript NM_014989.7 (MANE Select); coding-DNA position 4492, A replaced by G.
Protein change: p.Ser1498Gly; replaces serine 1498 with glycine.
Molecular consequence: missense variant.
Genome position (GRCh38, 1-based): chr6:72,390,723, A>G. VCF-style: chr6-72390723-A-G. GRCh37 (hg19) VCF-style: chr6-73100425-A-G.
Other names: c.2401A>G, p.Ser801Gly (NM_001350435.2); c.2644A>G, p.Ser882Gly (NM_001350436.2); c.2395A>G, p.Ser799Gly (NM_001350437.2); c.2119A>G, p.Ser707Gly (NM_001350438.2); c.2383A>G, p.Ser795Gly (NM_001350439.2); c.1783A>G, p.Ser595Gly (NM_001350440.2); c.2380A>G, p.Ser794Gly (NM_001350441.2); c.2122A>G, p.Ser708Gly (NM_001350442.2); and 54 more; short protein forms S25G, S542G, S566G, S607G, S623G, S632G, S634G, S662G.
Identifiers: ClinVar variation 1377697 (VCV001377697.8), dbSNP rs1479847144, ClinGen allele CA364819259.
Genomic context (GRCh38, chr6:72,390,723, plus strand): 5'-ATGAGAAAGATGGTAAGGCAGCCGAGCCGAGAGTCTACTGATGGCAGCATCAACAGTTAC[A>G]GCTCTGAGGGCAAGTAAGTGCTGTCAGCACGTCTGCATGGCTGTGGAACCAGGAATTGTG-3'
Protein context (NP_055804.2, residues 1488-1508): ESTDGSINSY[Ser1498Gly]SEGNLIFPGV

ClinVar aggregate classification (germline): Uncertain significance (1 of 4 stars; one submission).

Allele frequency attached by ClinVar (database versions not stated): gnomAD exomes below 0.00001; TOPMed below 0.00001; gnomAD 0.00001.
gnomAD v4.1: 2 of 1,613,768 alleles (0.00012%); highest among the groups gnomAD compares: African/African-American, 0.0013%; no homozygotes.

Submission:

Labcorp Genetics (formerly Invitae), Labcorp
Classification: Uncertain significance. Last evaluated: 2021-03-09. Review status: criteria provided, single submitter. Criteria: Invitae Variant Classification Sherloc (09022015). Collection method: clinical testing. Allele origin: germline.
Comment: This sequence change replaces serine with glycine at codon 1498 of the RIMS1 protein (p.Ser1498Gly). The serine residue is highly conserved and there is a small physicochemical difference between serine and glycine. This variant is not present in population databases (ExAC no frequency). This variant has not been reported in the literature in individuals with RIMS1-related conditions. Algorithms developed to predict the effect of missense changes on protein structure and function are either unavailable or do not agree on the potential impact of this missense change (SIFT: "Deleterious"; PolyPhen-2: "Benign"; Align-GVGD: "Class C0"). In summary, the available evidence is currently insufficient to determine the role of this variant in disease. Therefore, it has been classified as a Variant of Uncertain Significance.